The following is an entry in ClinVar:

ClinVar aggregate classification (germline): Uncertain significance (1 of 4 stars; one submission).

Submission:

Labcorp Genetics (formerly Invitae), Labcorp
Classification: Uncertain significance. Last evaluated: 2022-05-30. Review status: criteria provided, single submitter. Criteria: Invitae Variant Classification Sherloc (09022015). Collection method: clinical testing. Allele origin: germline.
Comment: This sequence change replaces isoleucine, which is neutral and non-polar, with threonine, which is neutral and polar, at codon 74 of the IFT88 protein (p.Ile74Thr). This variant is not present in population databases (gnomAD no frequency). This variant has not been reported in the literature in individuals affected with IFT88-related conditions. Algorithms developed to predict the effect of missense changes on protein structure and function are either unavailable or do not agree on the potential impact of this missense change (SIFT: "Not Available"; PolyPhen-2: "Benign"; Align-GVGD: "Not Available"). Algorithms developed to predict the effect of sequence changes on RNA splicing suggest that this variant may create or strengthen a splice site. In summary, the available evidence is currently insufficient to determine the role of this variant in disease. Therefore, it has been classified as a Variant of Uncertain Significance.

NM_006531.5(IFT88):c.194T>C (p.Ile65Thr)

Gene: IFT88 (intraflagellar transport 88; plus strand). Cytogenetic location: 13q12.11.
Variant type: single nucleotide variant.
Coding change: c.194T>C on transcript NM_006531.5 (MANE Select); coding-DNA position 194, T replaced by C.
Protein change: p.Ile65Thr; replaces isoleucine 65 with threonine.
Molecular consequence: missense variant. On other transcripts: 5 prime UTR variant (1), non-coding transcript variant (3), intron variant (4).
Genome position (GRCh38, 1-based): chr13:20,589,851, T>C. VCF-style: chr13-20589851-T-C. GRCh37 (hg19) VCF-style: chr13-21163990-T-C.
Other names: c.221T>C, p.Ile74Thr (NM_001318493.2, NM_001353565.2, NM_001353566.2 and 6 more transcripts); c.194T>C, p.Ile65Thr (NM_001353568.2, NM_001353571.2, NM_001353572.2 and 1 more transcripts); c.-370T>C (NM_001353579.2); c.154-1116T>C (NM_001353575.2, NM_001318491.2, NM_001353573.2 and 1 more transcripts); short protein forms I65T, I74T.
Identifiers: ClinVar variation 2106768 (VCV002106768.4), dbSNP rs2548019412, ClinGen allele CA387471461.